The following is an entry in ClinVar:

NM_024312.5(GNPTAB):c.1246dup (p.Trp416fs)

Gene: GNPTAB (N-acetylglucosamine-1-phosphate transferase subunits alpha and beta; minus strand). Cytogenetic location: 12q23.2.
Variant type: Duplication.
Coding change: c.1246dup on transcript NM_024312.5 (MANE Select); coding-DNA position 1246, one base duplicated (T; older notation c.1246dupT).
Protein change: p.Trp416fs; shifts the reading frame from tryptophan 416.
Molecular consequence: frameshift variant.
Genome position (GRCh38, 1-based): chr12:101,770,059, A duplicated on the plus strand (T on the coding strand, the reverse complement: GNPTAB is on the minus strand). VCF-style (leftmost placement, unchanged base first): chr12-101770058-C-CA. GRCh37 (hg19) VCF-style: chr12-102163836-C-CA.
Other names: short protein forms W416fs.
Identifiers: ClinVar variation 2096174 (VCV002096174.4), dbSNP rs2547960923, ClinGen allele CA2580085717.

ClinVar aggregate classification (germline): Pathogenic (1 of 4 stars; one submission).

Conditions:
Pseudo-Hurler polydystrophy. Also called: MUCOLIPIDOSIS IIIA; ML III; ML III ALPHA/BETA; Type III Mucolipidosis; ML IIIA; Mucolipidosis III Alpha/Beta. Identifiers: Orphanet 423461, Orphanet 577, MedGen C0033788, MONDO:0018931, OMIM 252600.
Mucolipidosis type II. Also called: Mucolipidosis II Alpha/Beta; ML II ALPHA/BETA; Mucolipidosis 2; ML 2; Inclusion cell disease; Leroy Disease. Identifiers: Orphanet 576, MedGen C2673377, MONDO:0009650, OMIM 252500.

Submission:

Labcorp Genetics (formerly Invitae), Labcorp
Classification: Pathogenic for Pseudo-Hurler polydystrophy; Mucolipidosis type II. Last evaluated: 2022-10-10. Review status: criteria provided, single submitter. Criteria: Invitae Variant Classification Sherloc (09022015). Collection method: clinical testing. Allele origin: germline.
Comment: This sequence change creates a premature translational stop signal (p.Trp416Leufs*4) in the GNPTAB gene. It is expected to result in an absent or disrupted protein product. Loss-of-function variants in GNPTAB are known to be pathogenic (PMID: 19617216, 25107912). This variant is not present in population databases (gnomAD no frequency). This variant has not been reported in the literature in individuals affected with GNPTAB-related conditions. For these reasons, this variant has been classified as Pathogenic.

Literature cited by the submitters: PubMed 19617216; PubMed 25107912.